The following is an entry in ClinVar:

NM_001244008.2(KIF1A):c.231C>T (p.Ile77=)

Gene: KIF1A (kinesin family member 1A; minus strand). Cytogenetic location: 2q37.3.
Variant type: single nucleotide variant.
Coding change: c.231C>T on transcript NM_001244008.2 (MANE Select); coding-DNA position 231, C replaced by T.
Protein change: p.Ile77=; no amino-acid change (isoleucine 77 retained).
Molecular consequence: synonymous variant.
Genome position (GRCh38, 1-based): chr2:240,788,183, G>A on the plus strand (C>T on the coding strand, the complement: KIF1A is on the minus strand). VCF-style: chr2-240788183-G-A. GRCh37 (hg19) VCF-style: chr2-241727600-G-A.
Other names: c.231C>T, p.Ile77= (NM_001320705.2, NM_001330289.2, NM_001330290.2 and 20 more transcripts).
Identifiers: ClinVar variation 435625 (VCV000435625.22), dbSNP rs530669240, ClinGen allele CA2208846.

ClinVar aggregate classification (germline): Benign/Likely benign. Review status: criteria provided, multiple submitters, no conflicts (2 of 4 stars). 4 submissions from 4 submitters: Benign (1); Likely benign (3). Last evaluated 2026-02-01.

Conditions:
Inborn genetic diseases. Identifiers: MedGen C0950123, MeSH D030342.
Hereditary spastic paraplegia 30. Identifiers: Orphanet 101010, MedGen C5235139, MONDO:0012476.
Neuropathy, hereditary sensory, type 2C. Also called: Hereditary sensory and autonomic neuropathy type IIC; KIF1A-Related HSAN2 (HSAN2C). Identifiers: Orphanet 970, MedGen C3280168, MONDO:0013634, OMIM 614213.
Intellectual disability, autosomal dominant 9 (NESCAVS). Also called: KIF1A-Related Neurodevelopmental Disorder; NESCAV SYNDROME. Identifiers: Orphanet 662367, MedGen C5393830, MONDO:0013656, OMIM 614255.

Allele frequency attached by ClinVar (database versions not stated): gnomAD 0.00001 and 0.00008; TOPMed 0.00002; gnomAD exomes 0.00013 and 0.00025; 1000 Genomes Project 30x 0.00016; 1000 Genomes Project 0.00020; ExAC 0.00030.
gnomAD v4.1: 197 of 1,613,780 alleles (0.012%); highest among the groups gnomAD compares: South Asian, 0.17%; 2 homozygotes.

Submissions (4):

CeGaT Center for Human Genetics Tuebingen
Classification: Likely benign. Last evaluated: 2026-02-01. Review status: criteria provided, single submitter. Criteria: CeGaT Center For Human Genetics Tuebingen Variant Classification Criteria Version 2. Collection method: clinical testing. Allele origin: germline. Affected: yes. Observed: 1 variant allele.
Comment: KIF1A: BP4, BP7

Labcorp Genetics (formerly Invitae), Labcorp
Classification: Benign for Hereditary spastic paraplegia 30; Neuropathy, hereditary sensory, type 2C; Intellectual disability, autosomal dominant 9. Last evaluated: 2024-04-17. Review status: criteria provided, single submitter. Criteria: Invitae Variant Classification Sherloc (09022015). Collection method: clinical testing. Allele origin: germline.

Ambry Genetics
Classification: Likely benign for Inborn genetic diseases. Last evaluated: 2019-07-11. Review status: criteria provided, single submitter. Criteria: Ambry Variant Classification Scheme 2023. Collection method: clinical testing. Allele origin: germline.

Genetic Services Laboratory, University of Chicago
Classification: Likely benign. Last evaluated: 2016-05-17. Review status: criteria provided, single submitter. Criteria: ACMG Guidelines, 2015. Collection method: clinical testing. Allele origin: germline. Affected: no.